The following is an entry in ClinVar:

NM_005629.4(SLC6A8):c.1104dup (p.Glu369fs)

Gene: SLC6A8 (solute carrier family 6 member 8; plus strand). Cytogenetic location: Xq28.
Variant type: Duplication.
Coding change: c.1104dup on transcript NM_005629.4 (MANE Select); coding-DNA position 1104, one base duplicated (A; older notation c.1104dupA).
Protein change: p.Glu369fs; shifts the reading frame from glutamic acid 369.
Molecular consequence: frameshift variant.
Genome position (GRCh38, 1-based): chrX:153,693,549, A duplicated. VCF-style (leftmost placement, unchanged base first): chrX-153693548-C-CA. GRCh37 (hg19) VCF-style: chrX-152959003-C-CA.
Other names: c.1074dup, p.Glu359fs (NM_001142805.2); c.759dup, p.Glu254fs (NM_001142806.1); c.1104dupA (NM_005629.3); short protein forms E254fs, E369fs, E359fs.
Identifiers: ClinVar variation 581613 (VCV000581613.6), dbSNP rs1569539381, ClinGen allele CA891843980.

ClinVar aggregate classification (germline): Pathogenic (1 of 4 stars; one submission).

Conditions:
Creatine transporter deficiency (CCDS1). Also called: Creatine Transporter (CRTR) Deficiency; Mental retardation , X-linked with seizures, short stature and midface hypoplasia; Mental retardation , X-linked, with creatine transport deficiency; X-linked creatine transporter deficiency; X-linked creatine deficiency syndrome; SLC6A8-Related Creatine Transporter Deficiency. Identifiers: Orphanet 52503, MedGen C1845862, MONDO:0010305, OMIM 300352.

Submission:

Labcorp Genetics (formerly Invitae), Labcorp
Classification: Pathogenic for Creatine transporter deficiency. Last evaluated: 2022-08-09. Review status: criteria provided, single submitter. Criteria: Invitae Variant Classification Sherloc (09022015). Collection method: clinical testing. Allele origin: germline.
Comment: For these reasons, this variant has been classified as Pathogenic. ClinVar contains an entry for this variant (Variation ID: 581613). This variant has not been reported in the literature in individuals affected with SLC6A8-related conditions. This variant is not present in population databases (gnomAD no frequency). This sequence change creates a premature translational stop signal (p.Glu369Argfs*96) in the SLC6A8 gene. It is expected to result in an absent or disrupted protein product. Loss-of-function variants in SLC6A8 are known to be pathogenic (PMID: 22281021).

Literature cited by the submitters: PubMed 22281021.